The following is an entry in ClinVar:

NM_016247.4(IMPG2):c.2629A>C (p.Met877Leu)

Gene: IMPG2 (interphotoreceptor matrix proteoglycan 2; minus strand). Cytogenetic location: 3q12.3.
Variant type: single nucleotide variant.
Coding change: c.2629A>C on transcript NM_016247.4 (MANE Select); coding-DNA position 2629, A replaced by C.
Protein change: p.Met877Leu; replaces methionine 877 with leucine.
Molecular consequence: missense variant.
Genome position (GRCh38, 1-based): chr3:101,243,702, T>G on the plus strand (A>C on the coding strand, the complement: IMPG2 is on the minus strand). VCF-style: chr3-101243702-T-G. GRCh37 (hg19) VCF-style: chr3-100962546-T-G.
Other names: short protein forms M877L.
Identifiers: ClinVar variation 865938 (VCV000865938.11), dbSNP rs1271049751, ClinGen allele CA353856284.

ClinVar aggregate classification (germline): Uncertain significance. Review status: criteria provided, multiple submitters, no conflicts (2 of 4 stars). 2 submissions from 2 submitters: Uncertain significance (2). Last evaluated 2020-08-04.

Allele frequency attached by ClinVar (database versions not stated): gnomAD exomes below 0.00001; TOPMed below 0.00001.

Submissions (2):

Labcorp Genetics (formerly Invitae), Labcorp
Classification: Uncertain significance. Last evaluated: 2020-08-04. Review status: criteria provided, single submitter. Criteria: Invitae Variant Classification Sherloc (09022015). Collection method: clinical testing. Allele origin: germline.
Comment: In summary, the available evidence is currently insufficient to determine the role of this variant in disease. Therefore, it has been classified as a Variant of Uncertain Significance. Algorithms developed to predict the effect of missense changes on protein structure and function output the following: SIFT: "Tolerated"; PolyPhen-2: "Benign"; Align-GVGD: "Class C0". The leucine amino acid residue is found in multiple mammalian species, suggesting that this missense change does not adversely affect protein function. These predictions have not been confirmed by published functional studies and their clinical significance is uncertain. This variant has not been reported in the literature in individuals with IMPG2-related conditions. ClinVar contains an entry for this variant (Variation ID: 865938). This variant is not present in population databases (ExAC no frequency). This sequence change replaces methionine with leucine at codon 877 of the IMPG2 protein (p.Met877Leu). The methionine residue is moderately conserved and there is a small physicochemical difference between methionine and leucine.

Blueprint Genetics
Classification: Uncertain significance. Last evaluated: 2019-05-22. Review status: criteria provided, single submitter. Criteria: ACMG Guidelines, 2015. Collection method: clinical testing. Allele origin: germline.